The following is an entry in ClinVar:

NM_012158.4(FBXL3):c.472-1221T>C

Gene: FBXL3 (F-box and leucine rich repeat protein 3; minus strand). Cytogenetic location: 13q22.3.
Variant type: single nucleotide variant.
Coding change: c.472-1221T>C on transcript NM_012158.4 (MANE Select); 1221 bases into the intron before coding-DNA position 472, T replaced by C.
Molecular consequence: intron variant.
Genome position (GRCh38, 1-based): chr13:77,016,801, A>G on the plus strand (T>C on the coding strand, the complement: FBXL3 is on the minus strand). VCF-style: chr13-77016801-A-G. GRCh37 (hg19) VCF-style: chr13-77590936-A-G.
Identifiers: ClinVar variation 3255282 (VCV003255282.2), dbSNP rs591576.
Genomic context (GRCh38, chr13:77,016,801, plus strand): 5'-GGCTGATCTTGAACTCCTGGCCACAACAGAACCTCCTGCCTCGGCTTCCCAAAGTACTCC[A>G]ATTATAGCTGTGAGCTACCACACCCAACCAAAACACTACCTTCTTGATCACAATTCCCTA-3'

ClinVar aggregate classification (germline): Benign (1 of 4 stars; one submission).

Allele frequency attached by ClinVar (database versions not stated): gnomAD exomes 0.69014; 1000 Genomes Project 0.77216; 1000 Genomes Project 30x 0.78061; gnomAD 0.85240; TOPMed 0.86099.
gnomAD v4.1: 129,612 of 152,196 alleles (85%); highest among the groups gnomAD compares: Middle Eastern, 90%; 55,608 homozygotes.

Submission:

Unidad de Genómica Garrahan, Hospital de Pediatría Garrahan
Classification: Benign. Last evaluated: 2024-07-15. Review status: criteria provided, single submitter. Criteria: ACMG Guidelines, 2015. Collection method: clinical testing. Allele origin: germline. Affected: no. Observed: 91 variant alleles.
Comment: This variant is classified as Benign based on local population frequency. This variant was detected in 98% of patients studied in a panel designed for Epileptic and Developmental Encephalopathy and Progressive Myoclonus Epilepsy. Number of patients: 91. Only high quality variants are reported.